The following is an entry in ClinVar:

ClinVar aggregate classification (germline): Uncertain significance (1 of 4 stars; one submission).

Conditions:
Chédiak-Higashi syndrome (CHS). Also called: Chediak-Higashi Syndrome. Identifiers: Orphanet 167, MedGen C0007965, MONDO:0008963, OMIM 214500.

Allele frequency attached by ClinVar (database versions not stated): gnomAD exomes below 0.00001.
gnomAD v4.1: 1 of 1,614,166 alleles (0.000062%); highest among the groups gnomAD compares: Admixed American, 0.0017%; no homozygotes.

Submission:

Labcorp Genetics (formerly Invitae), Labcorp
Classification: Uncertain significance for Chédiak-Higashi syndrome. Last evaluated: 2021-05-03. Review status: criteria provided, single submitter. Criteria: Invitae Variant Classification Sherloc (09022015). Collection method: clinical testing. Allele origin: germline.
Comment: This variant has not been reported in the literature in individuals with LYST-related conditions. Algorithms developed to predict the effect of missense changes on protein structure and function (SIFT, PolyPhen-2, Align-GVGD) all suggest that this variant is likely to be tolerated, but these predictions have not been confirmed by published functional studies and their clinical significance is uncertain. In summary, the available evidence is currently insufficient to determine the role of this variant in disease. Therefore, it has been classified as a Variant of Uncertain Significance. This sequence change replaces glycine with alanine at codon 2196 of the LYST protein (p.Gly2196Ala). The glycine residue is weakly conserved and there is a small physicochemical difference between glycine and alanine. This variant is not present in population databases (ExAC no frequency).

NM_000081.4(LYST):c.6587G>C (p.Gly2196Ala)

Gene: LYST (lysosomal trafficking regulator; minus strand). Cytogenetic location: 1q42.3.
Variant type: single nucleotide variant.
Coding change: c.6587G>C on transcript NM_000081.4 (MANE Select); coding-DNA position 6587, G replaced by C.
Protein change: p.Gly2196Ala; replaces glycine 2196 with alanine.
Molecular consequence: missense variant.
Genome position (GRCh38, 1-based): chr1:235,759,266, C>G on the plus strand (G>C on the coding strand, the complement: LYST is on the minus strand). VCF-style: chr1-235759266-C-G. GRCh37 (hg19) VCF-style: chr1-235922566-C-G.
Other names: c.6587G>C, p.Gly2196Ala (NM_001301365.1); short protein forms G2196A.
Identifiers: ClinVar variation 1350981 (VCV001350981.6), dbSNP rs1031587063, ClinGen allele CA344940635.